The following is an entry in ClinVar:

NM_000179.3(MSH6):c.440T>G (p.Leu147Arg)

Gene: MSH6 (mutS homolog 6; plus strand). Cytogenetic location: 2p16.3.
Variant type: single nucleotide variant.
Coding change: c.440T>G on transcript NM_000179.3 (MANE Select); coding-DNA position 440, T replaced by G.
Protein change: p.Leu147Arg; replaces leucine 147 with arginine.
Molecular consequence: missense variant. On other transcripts: 5 prime UTR variant (2), intron variant (1).
Genome position (GRCh38, 1-based): chr2:47,791,106, T>G. VCF-style: chr2-47791106-T-G. GRCh37 (hg19) VCF-style: chr2-48018245-T-G.
Other names: c.-297T>G (NM_001281493.2, NM_001406811.1, NM_001406823.1 and 1 more transcripts); c.-463T>G (NM_001281494.2); c.536T>G, p.Leu179Arg (NM_001406795.1, NM_001406802.1); c.440T>G, p.Leu147Arg (NM_001406796.1, NM_001406798.1, NM_001406800.1 and 6 more transcripts); c.143T>G, p.Leu48Arg (NM_001406797.1, NM_001406801.1, NM_001406805.1 and 10 more transcripts); c.362T>G, p.Leu121Arg (NM_001406804.1); c.-489T>G (NM_001406807.1); c.-555T>G (NM_001406814.1); and 2 more; short protein forms L121R, L147R, L179R, L91R, L48R.
Identifiers: ClinVar variation 1740396 (VCV001740396.7), dbSNP rs63750525, ClinGen allele CA346737178.

ClinVar aggregate classification (germline): Uncertain significance. Review status: criteria provided, multiple submitters, no conflicts (2 of 4 stars). 3 submissions from 3 submitters: Uncertain significance (3). Last evaluated 2025-09-25.

Conditions:
Endometrial carcinoma. Also called: Endometrial carcinoma, somatic. Identifiers: MedGen C0476089, MONDO:0002447, OMIM 608089, HP:0012114.
Lynch syndrome 5 (LYNCH5). Also called: Hereditary non-polyposis colorectal cancer, type 5; Colorectal cancer, hereditary nonpolyposis, type 5. Identifiers: Orphanet 144, MedGen C1833477, MONDO:0013710, OMIM 614350. Disease mechanism: loss of function.
Hereditary nonpolyposis colorectal neoplasms. Identifiers: MedGen C0009405, MeSH D003123.
Hereditary cancer-predisposing syndrome. Also called: Hereditary Cancer Syndrome; Hereditary neoplastic syndrome; Neoplastic Syndromes, Hereditary; Tumor predisposition. Identifiers: Orphanet 140162, MedGen C0027672, MeSH D009386, MONDO:0015356.

Allele frequency attached by ClinVar (database versions not stated): gnomAD 0.00001.
gnomAD v4.1: 1 of 1,614,050 alleles (0.000062%); highest among the groups gnomAD compares: African/African-American, 0.0013%; no homozygotes.

Submissions (3):

Ambry Genetics
Classification: Uncertain significance for Hereditary cancer-predisposing syndrome. Last evaluated: 2025-09-25. Review status: criteria provided, single submitter. Criteria: Ambry Variant Classification Scheme 2023. Collection method: clinical testing. Allele origin: germline.
Comment: The p.L147R variant (also known as c.440T>G), located in coding exon 2 of the MSH6 gene, results from a T to G substitution at nucleotide position 440. The leucine at codon 147 is replaced by arginine, an amino acid with dissimilar properties. This amino acid position is not well conserved in available vertebrate species. In addition, this alteration is predicted to be tolerated by in silico analysis. Based on the available evidence, the clinical significance of this variant remains unclear.

Labcorp Genetics (formerly Invitae), Labcorp
Classification: Uncertain significance for Hereditary nonpolyposis colorectal neoplasms. Last evaluated: 2023-09-10. Review status: criteria provided, single submitter. Criteria: Invitae Variant Classification Sherloc (09022015). Collection method: clinical testing. Allele origin: germline.
Comment: In summary, the available evidence is currently insufficient to determine the role of this variant in disease. Therefore, it has been classified as a Variant of Uncertain Significance. Advanced modeling of protein sequence and biophysical properties (such as structural, functional, and spatial information, amino acid conservation, physicochemical variation, residue mobility, and thermodynamic stability) performed at Invitae indicates that this missense variant is not expected to disrupt MSH6 protein function. ClinVar contains an entry for this variant (Variation ID: 1740396). This variant has not been reported in the literature in individuals affected with MSH6-related conditions. This variant is not present in population databases (gnomAD no frequency). This sequence change replaces leucine, which is neutral and non-polar, with arginine, which is basic and polar, at codon 147 of the MSH6 protein (p.Leu147Arg).

Department of Pathology and Laboratory Medicine, Sinai Health System
Classification: Uncertain significance for Endometrial carcinoma; Lynch syndrome 5. Last evaluated: 2020-02-11. Review status: criteria provided, single submitter. Criteria: ACMG Guidelines, 2015. Collection method: clinical testing. Allele origin: germline. Affected: yes.